The following is an entry in ClinVar:

ClinVar aggregate classification (germline): Uncertain significance (1 of 4 stars; one submission).

gnomAD v4.1: 2 of 1,614,128 alleles (0.00012%); highest among the groups gnomAD compares: Non-Finnish European, 0.00017%; no homozygotes.

Submission:

Women's Health and Genetics/Laboratory Corporation of America, LabCorp
Classification: Uncertain significance. Last evaluated: 2025-02-05. Review status: criteria provided, single submitter. Criteria: LabCorp Variant Classification Summary - May 2015. Collection method: clinical testing. Allele origin: germline.
Comment: Variant summary: CNGB1 c.2092T>C (p.Cys698Arg) results in a non-conservative amino acid change in the encoded protein sequence. Five of five in-silico tools predict a damaging effect of the variant on protein function. The variant allele was found at a frequency of 8e-06 in 249556 control chromosomes. c.2092T>C has been reported in the literature in a setting of multi-gene panel testing in compound heterozygous individuals affected with Retinitis Pigmentosa (e.g. Radojevic_2021). These data indicate that the variant may be associated with disease. To our knowledge, no experimental evidence demonstrating an impact on protein function has been reported. The following publication has been ascertained in the context of this evaluation (PMID: 33465333). No submitters have cited clinical-significance assessments for this variant to ClinVar. Based on the evidence outlined above, the variant was classified as VUS-possibly pathogenic.

Literature cited by the submitters: PubMed 33465333.

NM_001297.5(CNGB1):c.2092T>C (p.Cys698Arg)

Gene: CNGB1 (cyclic nucleotide gated channel subunit beta 1; minus strand). Cytogenetic location: 16q21.
Variant type: single nucleotide variant.
Coding change: c.2092T>C on transcript NM_001297.5 (MANE Select); coding-DNA position 2092, T replaced by C.
Protein change: p.Cys698Arg; replaces cysteine 698 with arginine.
Molecular consequence: missense variant.
Genome position (GRCh38, 1-based): chr16:57,917,342, A>G on the plus strand (T>C on the coding strand, the complement: CNGB1 is on the minus strand). VCF-style: chr16-57917342-A-G. GRCh37 (hg19) VCF-style: chr16-57951246-A-G.
Other names: c.2074T>C, p.Cys692Arg (NM_001286130.2); short protein forms C692R, C698R.
Identifiers: ClinVar variation 3768729 (VCV003768729.1).
Genomic context (GRCh38, chr16:57,917,342, plus strand): 5'-CTCTGACAAACTGCAGGCGTGTCTGGAACACGGTGATGTCCAGGAAGTAGATGAGGTCGC[A>G]TAGGTAATCCATCAGCAGCCAGTGGTGGATGTTGTCCGGGGTCTGGTAGGGGAAGGCCCA-3'
Protein context (NP_001288.3, residues 688-708): IHHWLLMDYL[Cys698Arg]DLIYFLDITV